The following is an entry in ClinVar:

NM_000501.4(ELN):c.634A>T (p.Lys212Ter)

Gene: ELN (elastin; plus strand). Cytogenetic location: 7q11.23.
Variant type: single nucleotide variant.
Coding change: c.634A>T on transcript NM_000501.4 (MANE Select); coding-DNA position 634, A replaced by T.
Protein change: p.Lys212Ter; replaces lysine 212 with a stop codon.
Molecular consequence: nonsense.
Genome position (GRCh38, 1-based): chr7:74,046,758, A>T. VCF-style: chr7-74046758-A-T. GRCh37 (hg19) VCF-style: chr7-73461088-A-T.
Other names: c.604A>T, p.Lys202Ter (NM_001081752.3, NM_001278917.2); c.649A>T, p.Lys217Ter (NM_001081753.3, NM_001081754.3); c.634A>T, p.Lys212Ter (NM_001081755.3, NM_001278912.2, NM_001278915.2 and 2 more transcripts); c.568A>T, p.Lys190Ter (NM_001278913.2); c.619A>T, p.Lys207Ter (NM_001278914.2); c.502A>T, p.Lys168Ter (NM_001278918.2); short protein forms K212*, K168*, K217*, K190*, K202*, K207*.
Identifiers: ClinVar variation 504955 (VCV000504955.4), dbSNP rs1554672587, ClinGen allele CA367870326.
Genomic context (GRCh38, chr7:74,046,758, plus strand): 5'-GTTGGACCCTTTGGGGGACCGCAACCTGGAGTCCCACTGGGGTATCCCATCAAGGCCCCC[A>T]AGCTGCCTGGTAAGTCAGAGGGACGGTTCAAGATGCACCACTCGGCCGGGTGTGGTGGTT-3'

ClinVar aggregate classification (germline): Pathogenic (1 of 4 stars; one submission).

Conditions:
Supravalvar aortic stenosis (SVAS). Also called: Supravalvar aortic stenosis, Eisenberg type. Identifiers: Orphanet 3193, MedGen C0003499, MONDO:0008504, OMIM 185500, HP:0004381.

Submission:

Laboratory for Molecular Medicine, Mass General Brigham Personalized Medicine
Classification: Pathogenic for Supravalvular aortic stenosis. Last evaluated: 2016-04-20. Review status: criteria provided, single submitter. Criteria: LMM Criteria. Collection method: clinical testing. Allele origin: germline. Observed: 1 variant allele.
Comment: The p.Lys212X variant in ELN has not been previously reported in individuals wit h congenital heart disease or in large population studies. This nonsense variant leads to a premature termination codon at position 212, which is predicted to l ead to a truncated or absent protein. Heterozygous loss of function of the ELN g ene is an established disease mechanism in SVAS. In summary, the p.Lys212X varia nt meets our criteria to be classified as pathogenic for SVAS in an autosomal do minant manner.